The following is an entry in ClinVar:

ClinVar aggregate classification (germline): Likely benign (1 of 4 stars; one submission).

Submission:

CeGaT Center for Human Genetics Tuebingen
Classification: Likely benign. Last evaluated: 2026-05-01. Review status: criteria provided, single submitter. Criteria: CeGaT Center For Human Genetics Tuebingen Variant Classification Criteria Version 2. Collection method: clinical testing. Allele origin: germline. Affected: yes. Observed: 1 variant allele.
Comment: PPFIA1: PM2:Supporting, BP4, BP7

NM_003626.5(PPFIA1):c.564A>G (p.Arg188=)

Genes: PPFIA1 (PPFI scaffold protein A1; plus strand), LOC105369373 (uncharacterized LOC105369373; minus strand). Cytogenetic location: 11q13.3.
Variant type: single nucleotide variant.
Coding change: c.564A>G on transcript NM_003626.5 (MANE Select); coding-DNA position 564, A replaced by G.
Protein change: p.Arg188=; no amino-acid change (arginine 188 retained).
Molecular consequence: synonymous variant. On other transcripts: non-coding transcript variant (1).
Genome position (GRCh38, 1-based): chr11:70,325,532, A>G. VCF-style: chr11-70325532-A-G. GRCh37 (hg19) VCF-style: chr11-70171638-A-G.
Other names: c.564A>G, p.Arg188= (NM_001378006.1, NM_177423.3).
Identifiers: ClinVar variation 4873523 (VCV004873523.2).